The following is an entry in ClinVar:

ClinVar aggregate classification (germline): Uncertain significance. Review status: criteria provided, multiple submitters, no conflicts (2 of 4 stars). 2 submissions from 2 submitters: Uncertain significance (2). Last evaluated 2025-10-02.

Conditions:
Fanconi anemia (FA). Also called: Fanconi's anemia. Identifiers: Orphanet 84, MedGen C0015625, MeSH D005199, MONDO:0019391.

Allele frequency attached by ClinVar (database versions not stated): gnomAD 0.00007 and 0.00008; ESP Exome Variant Server 0.00031; gnomAD exomes 0.00004 and 0.00011; TOPMed 0.00009; ExAC 0.00003.
gnomAD v4.1: 173 of 1,606,490 alleles (0.011%); highest among the groups gnomAD compares: Non-Finnish European, 0.014%; no homozygotes.

Submissions (2):

GeneDx
Classification: Uncertain significance. Last evaluated: 2025-10-02. Review status: criteria provided, single submitter. Criteria: GeneDx Variant Classification Process June 2021. Collection method: clinical testing. Allele origin: germline.
Comment: Not observed at significant frequency in large population cohorts (gnomAD); In silico analysis suggests this variant may impact gene splicing. In the absence of RNA/functional studies, the actual effect of this sequence change is unknown.; Observed in both cases and unaffected controls in a study of high grade serous ovarian cancer (PMID: 28881617); This variant is associated with the following publications: (PMID: 28881617)

Labcorp Genetics (formerly Invitae), Labcorp
Classification: Uncertain significance for Fanconi anemia. Last evaluated: 2025-06-09. Review status: criteria provided, single submitter. Criteria: Invitae Variant Classification Sherloc (09022015). Collection method: clinical testing. Allele origin: germline.
Comment: This sequence change falls in intron 7 of the FANCM gene. It does not directly change the encoded amino acid sequence of the FANCM protein. It affects a nucleotide within the consensus splice site. This variant is present in population databases (rs370363591, gnomAD 0.008%). This variant has been observed in individual(s) with ovarian cancer (PMID: 28881617). ClinVar contains an entry for this variant (Variation ID: 839425). Variants that disrupt the consensus splice site are a relatively common cause of aberrant splicing (PMID: 17576681, 9536098). Algorithms developed to predict the effect of sequence changes on RNA splicing suggest that this variant may disrupt the consensus splice site. In summary, the available evidence is currently insufficient to determine the role of this variant in disease. Therefore, it has been classified as a Variant of Uncertain Significance.

Literature cited by the submitters: PubMed 28881617 (cited by Labcorp Genetics (formerly Invitae), Labcorp); PubMed 17576681 (cited by Labcorp Genetics (formerly Invitae), Labcorp); PubMed 9536098 (cited by Labcorp Genetics (formerly Invitae), Labcorp).

NM_020937.4(FANCM):c.1309+5G>T

Gene: FANCM (FA complementation group M; plus strand). Cytogenetic location: 14q21.2.
Variant type: single nucleotide variant.
Coding change: c.1309+5G>T on transcript NM_020937.4 (MANE Select); 5 bases into the intron after coding-DNA position 1309, G replaced by T.
Molecular consequence: intron variant.
Genome position (GRCh38, 1-based): chr14:45,154,827, G>T. VCF-style: chr14-45154827-G-T. GRCh37 (hg19) VCF-style: chr14-45624030-G-T.
Other names: c.1231+5G>T (NM_001308133.2); c.1309+5G>T (NM_001308134.2).
Identifiers: ClinVar variation 839425 (VCV000839425.10), dbSNP rs370363591, ClinGen allele CA7168988.